The following is an entry in ClinVar:

NM_001611.5(ACP5):c.921C>G (p.Ile307Met)

Gene: ACP5 (acid phosphatase 5, tartrate resistant; minus strand). Cytogenetic location: 19p13.2.
Variant type: single nucleotide variant.
Coding change: c.921C>G on transcript NM_001611.5 (MANE Select); coding-DNA position 921, C replaced by G.
Protein change: p.Ile307Met; replaces isoleucine 307 with methionine.
Molecular consequence: missense variant.
Genome position (GRCh38, 1-based): chr19:11,575,067, G>C on the plus strand (C>G on the coding strand, the complement: ACP5 is on the minus strand). VCF-style: chr19-11575067-G-C. GRCh37 (hg19) VCF-style: chr19-11685882-G-C.
Other names: c.921C>G, p.Ile307Met (LRG_1218t1, NM_001111034.3, NM_001111035.3 and 2 more transcripts); c.921C>G (NM_001111035.1); short protein forms I307M.
Identifiers: ClinVar variation 648847 (VCV000648847.7), dbSNP rs763811862, ClinGen allele CA404145027.
Genomic context (GRCh38, chr19:11,575,067, plus strand): 5'-AGTTCAGGGCCTGGCTCGCCTCGGCAGCCTGGTCTTAAAGAGGGACTTGCCCGAGGCCTC[G>C]ATGTAAGTGACAGTCATCTCTTTGGAGCTGATCTCCACATAGGCAAAGCCACCCAGTGAG-3'
Protein context (NP_001602.1, residues 297-317): ISSKEMTVTY[Ile307Met]EASGKSLFKT

ClinVar aggregate classification (germline): Uncertain significance. Review status: criteria provided, multiple submitters, no conflicts (2 of 4 stars). 2 submissions from 2 submitters: Uncertain significance (2). Last evaluated 2024-12-03.

Conditions:
Spondyloenchondrodysplasia with immune dysregulation (SPENCDI). Also called: COMBINED IMMUNODEFICIENCY WITH AUTOIMMUNITY AND SPONDYLOMETAPHYSEAL DYSPLASIA; ROIFMAN IMMUNOSKELETAL SYNDROME; SPONDYLOENCHONDRODYSPLASIA WITH OR WITHOUT IMMUNE DYSREGULATION. Identifiers: Orphanet 1855, MedGen C1842763, MONDO:0011939, OMIM 607944.
Inborn genetic diseases. Identifiers: MedGen C0950123, MeSH D030342.

Submissions (2):

Ambry Genetics
Classification: Uncertain significance for Inborn genetic diseases. Last evaluated: 2024-12-03. Review status: criteria provided, single submitter. Criteria: Ambry Variant Classification Scheme 2023. Collection method: clinical testing. Allele origin: germline.

Labcorp Genetics (formerly Invitae), Labcorp
Classification: Uncertain significance for Spondyloenchondrodysplasia with immune dysregulation. Last evaluated: 2022-10-05. Review status: criteria provided, single submitter. Criteria: Invitae Variant Classification Sherloc (09022015). Collection method: clinical testing. Allele origin: germline.
Comment: In summary, the available evidence is currently insufficient to determine the role of this variant in disease. Therefore, it has been classified as a Variant of Uncertain Significance. This sequence change replaces isoleucine, which is neutral and non-polar, with methionine, which is neutral and non-polar, at codon 307 of the ACP5 protein (p.Ile307Met). This variant is present in population databases (no rsID available, gnomAD 0.003%). This variant has not been reported in the literature in individuals affected with ACP5-related conditions. ClinVar contains an entry for this variant (Variation ID: 648847). Advanced modeling of protein sequence and biophysical properties (such as structural, functional, and spatial information, amino acid conservation, physicochemical variation, residue mobility, and thermodynamic stability) performed at Invitae indicates that this missense variant is not expected to disrupt ACP5 protein function.